The following is an entry in ClinVar:

ClinVar aggregate classification (germline): Uncertain significance (1 of 4 stars; one submission).

Conditions:
Anauxetic dysplasia. Identifiers: Orphanet 93347, MedGen C1846796, MONDO:0011773.

gnomAD v4.1: 2 of 700,442 alleles (0.00029%); highest among the groups gnomAD compares: Non-Finnish European, 0.00052%; no homozygotes.

Submission:

Labcorp Genetics (formerly Invitae), Labcorp
Classification: Uncertain significance for Anauxetic dysplasia. Last evaluated: 2025-07-02. Review status: criteria provided, single submitter. Criteria: Invitae Variant Classification Sherloc (09022015). Collection method: clinical testing. Allele origin: germline.
Comment: This variant occurs in the RMRP gene, which encodes an RNA molecule that does not result in a protein product. This variant is not present in population databases (gnomAD no frequency). This variant has not been reported in the literature in individuals affected with RMRP-related conditions. ClinVar contains an entry for this variant (Variation ID: 3011052). Experimental studies and prediction algorithms are not available or were not evaluated, and the functional significance of this variant is currently unknown. In summary, the available evidence is currently insufficient to determine the role of this variant in disease. Therefore, it has been classified as a Variant of Uncertain Significance.

NR_003051.4(RMRP):n.178G>A

Gene: RMRP (RNA component of mitochondrial RNA processing endoribonuclease; minus strand). Cytogenetic location: 9p13.3.
Variant type: single nucleotide variant.
Molecular consequence: non-coding transcript variant (on NR_003051.4).
Genome position: GRCh38 VCF-style: chr9-35657842-C-T. GRCh37 (hg19) VCF-style: chr9-35657839-C-T.
Identifiers: ClinVar variation 3011052 (VCV003011052.2), dbSNP rs750141239, ClinGen allele CA464450633.